The following is an entry in ClinVar:

ClinVar aggregate classification (germline): Uncertain significance. Review status: criteria provided, multiple submitters, no conflicts (2 of 4 stars). 3 submissions from 3 submitters: Uncertain significance (3). Last evaluated 2026-07-07.

Conditions:
Hereditary breast ovarian cancer syndrome. Also called: Hereditary breast and ovarian cancer syndrome; Hereditary breast and/or ovarian cancer syndrome; Hereditary breast and ovarian cancer syndrome (HBOC); BRCA1- and BRCA2-Associated Hereditary Breast and Ovarian Cancer; Hereditary breast and ovarian cancer; Breast and ovarian cancer. Identifiers: Orphanet 145, MedGen C0677776, MeSH D061325, MONDO:0003582. Disease mechanism: loss of function.
Hereditary cancer-predisposing syndrome. Also called: Hereditary Cancer Syndrome; Hereditary neoplastic syndrome; Neoplastic Syndromes, Hereditary; Tumor predisposition. Identifiers: Orphanet 140162, MedGen C0027672, MeSH D009386, MONDO:0015356.
BRCA2-related cancer predisposition. Identifiers: MedGen CN377758, MONDO:0700269.

Submissions (3):

Ambry Genetics
Classification: Uncertain significance for Hereditary cancer-predisposing syndrome. Last evaluated: 2026-07-07. Review status: criteria provided, single submitter. Criteria: Ambry Variant Classification Scheme 2023. Collection method: clinical testing. Allele origin: germline.
Comment: The p.N1330H variant (also known as c.3988A>C), located in coding exon 10 of the BRCA2 gene, results from an A to C substitution at nucleotide position 3988. The asparagine at codon 1330 is replaced by histidine, an amino acid with similar properties. This amino acid position is conserved. In addition, this alteration is predicted to be tolerated by in silico analysis. Based on the available evidence, the clinical significance of this variant remains unclear.

All of Us Research Program, National Institutes of Health
Classification: Uncertain significance for BRCA2-related cancer predisposition. Last evaluated: 2024-06-09. Review status: criteria provided, single submitter. Criteria: ACMG Guidelines, 2015. Collection method: clinical testing. Allele origin: germline. Inheritance: Autosomal dominant inheritance. Observed: 1 variant allele, 1 heterozygote.
Comment: This missense variant replaces asparagine with histidine at codon 1330 of the BRCA2 protein. Computational prediction suggests that this variant may not impact protein structure and function (internally defined REVEL score threshold <= 0.5, PMID: 27666373). To our knowledge, functional studies have not been reported for this variant. This variant has not been reported in individuals affected with BRCA2-related disorders in the literature. This variant has not been identified in the general population by the Genome Aggregation Database (gnomAD). The available evidence is insufficient to determine the role of this variant in disease conclusively. Therefore, this variant is classified as a Variant of Uncertain Significance.

This study involves interpretation of variants in research participants for the purpose of population health screening. Participant phenotype was not available at the time of variant classification. Additional details can be found in publication PMID: 35346344, PMCID: PMC8962531

Labcorp Genetics (formerly Invitae), Labcorp
Classification: Uncertain significance for Hereditary breast ovarian cancer syndrome. Last evaluated: 2023-09-27. Review status: criteria provided, single submitter. Criteria: Invitae Variant Classification Sherloc (09022015). Collection method: clinical testing. Allele origin: germline.
Comment: This variant is not present in population databases (gnomAD no frequency). This sequence change replaces asparagine, which is neutral and polar, with histidine, which is basic and polar, at codon 1330 of the BRCA2 protein (p.Asn1330His). This variant has not been reported in the literature in individuals affected with BRCA2-related conditions. In summary, the available evidence is currently insufficient to determine the role of this variant in disease. Therefore, it has been classified as a Variant of Uncertain Significance. Advanced modeling of protein sequence and biophysical properties (such as structural, functional, and spatial information, amino acid conservation, physicochemical variation, residue mobility, and thermodynamic stability) performed at Invitae indicates that this missense variant is not expected to disrupt BRCA2 protein function.

NM_000059.4(BRCA2):c.3988A>C (p.Asn1330His)

Gene: BRCA2 (BRCA2 DNA repair associated; plus strand). Cytogenetic location: 13q13.1.
Variant type: single nucleotide variant.
Coding change: c.3988A>C on transcript NM_000059.4 (MANE Select); coding-DNA position 3988, A replaced by C.
Protein change: p.Asn1330His; replaces asparagine 1330 with histidine.
Molecular consequence: missense variant. On other transcripts: non-coding transcript variant (1), intron variant (2).
Genome position (GRCh38, 1-based): chr13:32,338,343, A>C. VCF-style: chr13-32338343-A-C. GRCh37 (hg19) VCF-style: chr13-32912480-A-C.
Other names: c.3988A>C, p.Asn1330His (NM_001406719.1, NM_001406720.1); c.1909+4956A>C (NM_001406721.1); c.425-6215A>C (NM_001406722.1); short protein forms N1330H.
Identifiers: ClinVar variation 2955708 (VCV002955708.5), dbSNP rs2548527358, ClinGen allele CA387778967.